The following is an entry in ClinVar:

NM_021975.4(RELA):c.1135_1146del (p.Leu379_Ala382del)

Gene: RELA (RELA proto-oncogene, NF-kB subunit; minus strand). Cytogenetic location: 11q13.1.
Variant type: Deletion.
Coding change: c.1135_1146del on transcript NM_021975.4 (MANE Select); coding-DNA positions 1135 to 1146, 12 bases deleted (TTGGCCCCGGCC).
Protein change: p.Leu379_Ala382del.
Molecular consequence: intron variant (on NM_001243984.2).
Genome position (GRCh38, 1-based): chr11:65,654,888-65,654,899, GGCCGGGGCCAA deleted on the plus strand (TTGGCCCCGGCC on the coding strand, the reverse complement: RELA is on the minus strand); deleting any 12 consecutive bases within chr11:65,654,888-65,654,904 gives the same sequence; the c. name uses the placement nearest the transcript's 3' end. VCF-style (leftmost placement, unchanged base first): chr11-65654887-GGGCCGGGGCCAA-G. GRCh37 (hg19) VCF-style: chr11-65422358-GGGCCGGGGCCAA-G.
Other names: c.1126_1137del, p.Leu376_Ala379del (NM_001145138.2); c.1135_1146del, p.Leu379_Ala382del (NM_001243985.2); c.1168_1179del, p.Leu390_Ala393del (NM_001404657.1); c.1108_1119del, p.Leu370_Ala373del (NM_001404658.1); c.922_933del, p.Leu308_Ala311del (NM_001404659.1); c.817_828del, p.Leu273_Ala276del (NM_001404660.1); c.754_765del, p.Leu252_Ala255del (NM_001404661.1); c.1042_1053del, p.Leu348_Ala351del (NM_001404662.1, NM_001404663.1); and 1 more.
Identifiers: ClinVar variation 3675703 (VCV003675703.2).

ClinVar aggregate classification (germline): Uncertain significance (1 of 4 stars; one submission).

Submission:

Labcorp Genetics (formerly Invitae), Labcorp
Classification: Uncertain significance. Last evaluated: 2024-08-05. Review status: criteria provided, single submitter. Criteria: Invitae Variant Classification Sherloc (09022015). Collection method: clinical testing. Allele origin: germline.
Comment: This variant, c.1135_1146del, results in the deletion of 4 amino acid(s) of the RELA protein (p.Leu379_Ala382del), but otherwise preserves the integrity of the reading frame. This variant is not present in population databases (gnomAD no frequency). This variant has not been reported in the literature in individuals affected with RELA-related conditions. Experimental studies and prediction algorithms are not available or were not evaluated, and the functional significance of this variant is currently unknown. In summary, the available evidence is currently insufficient to determine the role of this variant in disease. Therefore, it has been classified as a Variant of Uncertain Significance.